The following is an entry in ClinVar:

ClinVar aggregate classification (germline): Uncertain significance. Review status: criteria provided, multiple submitters, no conflicts (2 of 4 stars). 2 submissions from 2 submitters: Uncertain significance (2). Last evaluated 2024-01-22.

Conditions:
Autosomal recessive limb-girdle muscular dystrophy type R18 (LGMDR18). Also called: Autosomal recessive limb-girdle muscular dystrophy type 2S; MUSCULAR DYSTROPHY, LIMB-GIRDLE, AUTOSOMAL RECESSIVE 18; Limb-girdle muscular dystrophy, type 2S. Identifiers: Orphanet 369840, MedGen C4517996, MONDO:0014144, OMIM 615356.

Allele frequency attached by ClinVar (database versions not stated): gnomAD 0.00001; gnomAD exomes 0.00001 and 0.00002; ExAC 0.00002; TOPMed 0.00004.
gnomAD v4.1: 18 of 1,568,900 alleles (0.0011%); highest among the groups gnomAD compares: Admixed American, 0.02%; no homozygotes.

Submissions (2):

Labcorp Genetics (formerly Invitae), Labcorp
Classification: Uncertain significance for Autosomal recessive limb-girdle muscular dystrophy type R18. Last evaluated: 2024-01-22. Review status: criteria provided, single submitter. Criteria: Invitae Variant Classification Sherloc (09022015). Collection method: clinical testing. Allele origin: germline.
Comment: This sequence change falls in intron 27 of the TRAPPC11 gene. It does not directly change the encoded amino acid sequence of the TRAPPC11 protein. It affects a nucleotide within the consensus splice site. This variant is present in population databases (rs763743260, gnomAD 0.01%). This variant has not been reported in the literature in individuals affected with TRAPPC11-related conditions. ClinVar contains an entry for this variant (Variation ID: 474362). Variants that disrupt the consensus splice site are a relatively common cause of aberrant splicing (PMID: 17576681, 9536098). Algorithms developed to predict the effect of sequence changes on RNA splicing suggest that this variant is not likely to affect RNA splicing. In summary, the available evidence is currently insufficient to determine the role of this variant in disease. Therefore, it has been classified as a Variant of Uncertain Significance.

Blueprint Genetics
Classification: Uncertain significance. Last evaluated: 2018-08-28. Review status: criteria provided, single submitter. Criteria: ACMG Guidelines, 2015. Collection method: clinical testing. Allele origin: germline.

Literature cited by the submitters: PubMed 17576681 (cited by Labcorp Genetics (formerly Invitae), Labcorp); PubMed 9536098 (cited by Labcorp Genetics (formerly Invitae), Labcorp).

NM_021942.6(TRAPPC11):c.3055+5C>T

Gene: TRAPPC11 (trafficking protein particle complex subunit 11; plus strand). Cytogenetic location: 4q35.1.
Variant type: single nucleotide variant.
Coding change: c.3055+5C>T on transcript NM_021942.6 (MANE Select); 5 bases into the intron after coding-DNA position 3055, C replaced by T.
Molecular consequence: intron variant.
Genome position (GRCh38, 1-based): chr4:183,705,075, C>T. VCF-style: chr4-183705075-C-T. GRCh37 (hg19) VCF-style: chr4-184626228-C-T.
Other names: c.3055+5C>T (NM_199053.3).
Identifiers: ClinVar variation 474362 (VCV000474362.9), dbSNP rs763743260, ClinGen allele CA3152422.